The following is an entry in ClinVar:

ClinVar aggregate classification (germline): Uncertain significance (1 of 4 stars; one submission).

Conditions:
Severe myoclonic epilepsy in infancy (DRVT). Also called: SEVERE MYOCLONIC EPILEPSY OF INFANCY; DEVELOPMENTAL AND EPILEPTIC ENCEPHALOPATHY 6A; Severe Myoclonic Epilepsy in Infancy (SMEI); Dravet syndrome; Epileptic encephalopathy, early infantile, 6 (Dravet syndrome). Identifiers: Orphanet 33069, MedGen C0751122, MONDO:0100135, OMIM 607208.

Submission:

Labcorp Genetics (formerly Invitae), Labcorp
Classification: Uncertain significance for Severe myoclonic epilepsy in infancy. Last evaluated: 2024-02-24. Review status: criteria provided, single submitter. Criteria: Invitae Variant Classification Sherloc (09022015). Collection method: clinical testing. Allele origin: germline.
Comment: This sequence change replaces arginine, which is basic and polar, with threonine, which is neutral and polar, at codon 437 of the SNX27 protein (p.Arg437Thr). This variant is not present in population databases (gnomAD no frequency). This variant has not been reported in the literature in individuals affected with SNX27-related conditions. ClinVar contains an entry for this variant (Variation ID: 577555). An algorithm developed to predict the effect of missense changes on protein structure and function (PolyPhen-2) suggests that this variant is likely to be disruptive. In summary, the available evidence is currently insufficient to determine the role of this variant in disease. Therefore, it has been classified as a Variant of Uncertain Significance.

NM_001330723.2(SNX27):c.1310G>C (p.Arg437Thr)

Gene: SNX27 (sorting nexin 27; plus strand). Cytogenetic location: 1q21.3.
Variant type: single nucleotide variant.
Coding change: c.1310G>C on transcript NM_001330723.2 (MANE Select); coding-DNA position 1310, G replaced by C.
Protein change: p.Arg437Thr; replaces arginine 437 with threonine.
Molecular consequence: missense variant.
Genome position (GRCh38, 1-based): chr1:151,692,505, G>C. VCF-style: chr1-151692505-G-C. GRCh37 (hg19) VCF-style: chr1-151664981-G-C.
Other names: c.1310G>C, p.Arg437Thr (NM_030918.6); short protein forms R437T.
Identifiers: ClinVar variation 577555 (VCV000577555.9), dbSNP rs1558078260, ClinGen allele CA341972119.